The following is an entry in ClinVar:

ClinVar aggregate classification (germline): Pathogenic/Likely pathogenic. Review status: criteria provided, multiple submitters, no conflicts (2 of 4 stars). 3 submissions from 3 submitters: Pathogenic (2); Likely pathogenic (1). Last evaluated 2025-04-23.

Conditions:
Cardiovascular phenotype. Identifiers: MedGen CN230736.
Marfan syndrome (MFS). Also called: Marfan syndrome, classic; Marfan syndrome type 1; Marfan's syndrome; MARFAN SYNDROME, TYPE I; FBN1-Related Marfan Syndrome. Identifiers: Orphanet 284963, Orphanet 558, MedGen C0024796, MONDO:0007947, OMIM 154700.

Submissions (3):

Molecular Diagnostic Laboratory for Inherited Cardiovascular Disease, Montreal Heart Institute
Classification: Pathogenic for Cardiovascular phenotype. Last evaluated: 2025-04-23. Review status: criteria provided, single submitter. Criteria: ACMG Guidelines, 2015. Collection method: clinical testing. Allele origin: germline. Affected: yes.
Comment: PVS1, PM2, PS4_supp, PP4

Center of Genomic medicine, Geneva, University Hospital of Geneva
Classification: Pathogenic for Marfan syndrome. Last evaluated: 2016-07-05. Review status: criteria provided, single submitter. Criteria: ACMG Guidelines, 2015. Collection method: clinical testing. Allele origin: de novo. Affected: yes.

Arcensus
Classification: Likely pathogenic for Marfan syndrome. Last evaluated: 2013-02-01. Review status: criteria provided, single submitter. Criteria: ACMG Guidelines, 2015. Collection method: clinical testing. Allele origin: germline. Affected: yes.

NM_000138.5(FBN1):c.2563C>T (p.Gln855Ter)

Gene: FBN1 (fibrillin 1; minus strand). Cytogenetic location: 15q21.1.
Variant type: single nucleotide variant.
Coding change: c.2563C>T on transcript NM_000138.5 (MANE Select); coding-DNA position 2563, C replaced by T.
Protein change: p.Gln855Ter; replaces glutamine 855 with a stop codon.
Molecular consequence: nonsense.
Genome position (GRCh38, 1-based): chr15:48,495,237, G>A on the plus strand (C>T on the coding strand, the complement: FBN1 is on the minus strand). VCF-style: chr15-48495237-G-A. GRCh37 (hg19) VCF-style: chr15-48787434-G-A.
Other names: short protein forms Q855*.
Identifiers: ClinVar variation 375466 (VCV000375466.20), dbSNP rs1057519502, ClinGen allele CA16044279.